The following is an entry in ClinVar:

ClinVar aggregate classification (germline): Likely pathogenic (1 of 4 stars; one submission).

Conditions:
Antley-Bixler syndrome without genital anomalies or disordered steroidogenesis (ABS2). Also called: Trapezoidocephaly synostosis syndrome; Osteodysgenesis, multisynostotic with fractures; MULTISYNOSTOTIC OSTEODYSGENESIS WITH LONG BONE FRACTURES; Antley-Bixler Syndrome, Autosomal Dominant. Identifiers: Orphanet 596008, Orphanet 83, MedGen C2936791, MONDO:0020667, OMIM 207410.
LADD syndrome 1 (LADD1). Also called: Lacrimoauriculodentodigital syndrome 1. Identifiers: MedGen C5774323, MONDO:0100302, OMIM 149730.
Saethre-Chotzen syndrome (SCS). Also called: ACROCEPHALY, SKULL ASYMMETRY, AND MILD SYNDACTYLY; ACS III; CHOTZEN SYNDROME. Identifiers: Orphanet 794, MedGen C0175699, MONDO:0007042, OMIM 101400.
Bent bone dysplasia syndrome 1 (BBDS1). Also called: FGFR2-related bent bone dysplasia. Identifiers: Orphanet 313855, MedGen C3281247, MONDO:0013815, OMIM 614592.
Acrocephalosyndactyly type I (ACS1). Also called: Apert syndrome; Acrocephalo-syndactyly type 1; ACS 1; Syndactylic oxycephaly. Identifiers: Orphanet 87, MedGen C0001193, MONDO:0007041, OMIM 101200.
Jackson-Weiss syndrome (JWS). Also called: CRANIOSYNOSTOSIS, MIDFACIAL HYPOPLASIA, AND FOOT ABNORMALITIES. Identifiers: Orphanet 1540, MedGen C0795998, MONDO:0007400, OMIM 123150. Disease mechanism: loss of function.
Crouzon syndrome. Also called: Craniofacial dysostosis; CRANIOFACIAL DYSOSTOSIS, TYPE I; Craniofacial dysostosis type 1; Crouzon craniofacial dysostosis; Crouzon disease. Identifiers: Orphanet 207, MedGen C0010273, MeSH D003394, MONDO:0007405, OMIM 123500, HP:0004439.
Beare-Stevenson cutis gyrata syndrome (BSTVS). Identifiers: Orphanet 1555, MedGen C1852406, MONDO:0007412, OMIM 123790.
Pfeiffer syndrome (ACS5). Also called: ACS V. Identifiers: Orphanet 710, MedGen C0220658, MONDO:0007043, OMIM 101600.

Submission:

New York Genome Center
Classification: Likely pathogenic for Antley-Bixler syndrome without genital anomalies or disordered steroidogenesis; Acrocephalosyndactyly type I; Beare-Stevenson cutis gyrata syndrome; Bent bone dysplasia syndrome 1; Pfeiffer syndrome; Crouzon syndrome; Jackson-Weiss syndrome; LADD syndrome 1; Saethre-Chotzen syndrome. Last evaluated: 2024-05-17. Review status: criteria provided, single submitter. Criteria: NYGC Assertion Criteria 2020. Collection method: clinical testing. Allele origin: inherited. Affected: yes. Observed: 1 variant allele, 1 heterozygote.
Comment: The c.1144T>A p.(Tyr382Asn) variant in FGFR2 is located in exon 9 of this 18-exon gene, and replaces an evolutionarily tyrosine residue with asparagine. In silico predictions are in favor of damaging effect for p.(Tyr382Asn) (REVEL = 0.957). This variant is absent from the gnomAD database (v4.1.0), suggesting that it is not a common benign polymorphism in the populations represented by that database. This variant has been reported in one family in the literature in an affected father who transmitted the variant to two children [PMID: 23808569]. A different amino acid substitution at the same position, p.(Tyr382Asp) has been reported in multiple unrelated individuals in the literature [PMID: 22387015, 27240702] and deposited in ClinVar 6 times as pathogenic with no conflicts [ClinVar ID: 29856] in individuals with FGFR2 related disorders. Two other substitutions of this residue, p.(Tyr382His) and p.(Tyr382Cys), have also been deposited in ClinVar as Likely Pathogenic with no conflicts [ClinVar ID: 376316, 423481]. Based on available evidence this inherited c.1144T>A p.(Tyr382Asn) variant identified in FGFR2 is classified as Likely Pathogenic.

Literature cited by the submitters: PubMed 23808569.

NM_000141.5(FGFR2):c.1141T>A (p.Tyr381Asn)

Gene: FGFR2 (fibroblast growth factor receptor 2; minus strand). Cytogenetic location: 10q26.13.
Variant type: single nucleotide variant.
Coding change: c.1141T>A on transcript NM_000141.5 (MANE Select); coding-DNA position 1141, T replaced by A.
Protein change: p.Tyr381Asn; replaces tyrosine 381 with asparagine.
Molecular consequence: missense variant. On other transcripts: non-coding transcript variant (1), intron variant (1).
Genome position (GRCh38, 1-based): chr10:121,515,263, A>T on the plus strand (T>A on the coding strand, the complement: FGFR2 is on the minus strand). VCF-style: chr10-121515263-A-T. GRCh37 (hg19) VCF-style: chr10-123274777-A-T.
Other names: c.1144T>A, p.Tyr382Asn (NM_001144913.1, NM_001441087.1, NM_022970.4); c.805T>A, p.Tyr269Asn (NM_001144914.1); c.874T>A, p.Tyr292Asn (NM_001144915.2, NM_001441089.1, NM_023029.3); c.796T>A, p.Tyr266Asn (NM_001144916.2, NM_001144918.2, NM_001441090.1 and 1 more transcripts); c.877T>A, p.Tyr293Asn (NM_001144919.2, NM_001441088.1); c.457T>A, p.Tyr153Asn (NM_001320654.2); c.1141T>A, p.Tyr381Asn (NM_001320658.2); c.939+4716T>A (NM_001144917.2); short protein forms Y153N, Y266N, Y269N, Y292N, Y293N, Y381N, Y382N.
Identifiers: ClinVar variation 4888373 (VCV004888373.1).